The following is an entry in ClinVar:

NM_000814.6(GABRB3):c.982A>C (p.Asn328His)

Gene: GABRB3 (gamma-aminobutyric acid type A receptor subunit beta3; minus strand). Cytogenetic location: 15q12.
Variant type: single nucleotide variant.
Coding change: c.982A>C on transcript NM_000814.6 (MANE Select); coding-DNA position 982, A replaced by C.
Protein change: p.Asn328His; replaces asparagine 328 with histidine.
Molecular consequence: missense variant.
Genome position (GRCh38, 1-based): chr15:26,561,030, T>G on the plus strand (A>C on the coding strand, the complement: GABRB3 is on the minus strand). VCF-style: chr15-26561030-T-G. GRCh37 (hg19) VCF-style: chr15-26806177-T-G.
Other names: c.727A>C, p.Asn243His (NM_001191320.2, NM_001278631.2); c.769A>C, p.Asn257His (NM_001191321.3); c.982A>C, p.Asn328His (NM_021912.5); short protein forms N257H, N328H, N243H.
Identifiers: ClinVar variation 1509077 (VCV001509077.8), dbSNP rs2140679963, ClinGen allele CA391461664.

ClinVar aggregate classification (germline): Likely pathogenic (1 of 4 stars; one submission).

Conditions:
Epilepsy, childhood absence, susceptibility to, 1. Also called: Epilepsy, childhood absence 1. Identifiers: Orphanet 64280, MedGen C1838604, MONDO:0020759, OMIM 600131.
Epilepsy, childhood absence, susceptibility to, 5. Identifiers: Orphanet 64280, MedGen C2677087, MONDO:0012843, OMIM 612269.

Submission:

Labcorp Genetics (formerly Invitae), Labcorp
Classification: Likely pathogenic for Epilepsy, childhood absence, susceptibility to, 5; Epilepsy, childhood absence, susceptibility to, 1. Last evaluated: 2020-11-10. Review status: criteria provided, single submitter. Criteria: Invitae Variant Classification Sherloc (09022015). Collection method: clinical testing. Allele origin: germline.
Comment: This variant is not present in population databases (ExAC no frequency). This variant has not been reported in the literature in individuals with GABRB3-related conditions. Advanced modeling of protein sequence and biophysical properties (such as structural, functional, and spatial information, amino acid conservation, physicochemical variation, residue mobility, and thermodynamic stability) performed at Invitae indicates that this missense variant is expected to disrupt GABRB3 protein function. This variant disrupts the p.Asn328 amino acid residue in GABRB3. Other variant(s) that disrupt this residue have been determined to be pathogenic (PMID: 31435640). This suggests that this residue is clinically significant, and that variants that disrupt this residue are likely to be disease-causing. In summary, the currently available evidence indicates that the variant is pathogenic, but additional data are needed to prove that conclusively. Therefore, this variant has been classified as Likely Pathogenic. This sequence change replaces asparagine with histidine at codon 328 of the GABRB3 protein (p.Asn328His). The asparagine residue is highly conserved and there is a small physicochemical difference between asparagine and histidine.

Literature cited by the submitters: PubMed 31435640.